The following is an entry in ClinVar:

ClinVar aggregate classification (germline): Likely pathogenic. Review status: criteria provided, multiple submitters, no conflicts (2 of 4 stars). 2 submissions from 2 submitters: Likely pathogenic (2). Last evaluated 2024-06-10.

Conditions:
Vitamin D-dependent rickets, type 1A. Also called: VITAMIN D HYDROXYLATION-DEFICIENT RICKETS, TYPE 1A; PDDR IA; PSEUDOVITAMIN D-DEFICIENCY RICKETS, TYPE IA. Identifiers: MedGen CN283242, MONDO:0020723, OMIM 264700.

gnomAD v4.1: 2 of 1,613,962 alleles (0.00012%); highest among the groups gnomAD compares: Non-Finnish European, 0.00017%; no homozygotes.

Submissions (2):

Fulgent Genetics
Classification: Likely pathogenic for Vitamin D-dependent rickets, type 1A. Last evaluated: 2024-06-10. Review status: criteria provided, single submitter. Criteria: ACMG Guidelines, 2015. Collection method: clinical testing. Allele origin: germline.

Women's Health and Genetics/Laboratory Corporation of America, LabCorp
Classification: Likely pathogenic for Vitamin D-dependent rickets, type 1A. Last evaluated: 2024-05-31. Review status: criteria provided, single submitter. Criteria: LabCorp Variant Classification Summary - May 2015. Collection method: clinical testing. Allele origin: germline.
Comment: Variant summary: CYP27B1 c.1376G>C (p.Arg459Pro) results in a non-conservative amino acid change in the encoded protein sequence. Four of five in-silico tools predict a damaging effect of the variant on protein function. The variant was absent in 251430 control chromosomes. To our knowledge, no occurrence of c.1376G>C in individuals affected with Vitamin D-dependent rickets and no experimental evidence demonstrating its impact on protein function have been reported. A different variant affecting the same codon has been classified as pathogenic by our lab (c.1376G>T, p.Arg459Leu), and another is classified on the pathogenic spectrum in ClinVar (c.1375C>T,p.Arg459Cys) supporting the critical relevance of codon 459 to CYP27B1 protein function. No submitters have cited clinical-significance assessments for this variant to ClinVar. Based on the evidence outlined above, the variant was classified as likely pathogenic.

NM_000785.4(CYP27B1):c.1376G>C (p.Arg459Pro)

Gene: CYP27B1 (cytochrome P450 family 27 subfamily B member 1; minus strand). Cytogenetic location: 12q14.1.
Variant type: single nucleotide variant.
Coding change: c.1376G>C on transcript NM_000785.4 (MANE Select); coding-DNA position 1376, G replaced by C.
Protein change: p.Arg459Pro; replaces arginine 459 with proline.
Molecular consequence: missense variant.
Genome position (GRCh38, 1-based): chr12:57,763,648, C>G on the plus strand (G>C on the coding strand, the complement: CYP27B1 is on the minus strand). VCF-style: chr12-57763648-C-G. GRCh37 (hg19) VCF-style: chr12-58157431-C-G.
Other names: short protein forms R459P.
Identifiers: ClinVar variation 3336331 (VCV003336331.2).